The following is an entry in ClinVar:

NM_000535.7(PMS2):c.135C>T (p.Asn45=)

Gene: PMS2 (PMS1 homolog 2, mismatch repair system component; minus strand). Cytogenetic location: 7p22.1.
Variant type: single nucleotide variant.
Coding change: c.135C>T on transcript NM_000535.7 (MANE Select); coding-DNA position 135, C replaced by T.
Protein change: p.Asn45=; no amino-acid change (asparagine 45 retained).
Molecular consequence: synonymous variant. On other transcripts: 5 prime UTR variant (38), non-coding transcript variant (1), intron variant (7).
Genome position (GRCh38, 1-based): chr7:6,005,920, G>A on the plus strand (C>T on the coding strand, the complement: PMS2 is on the minus strand). VCF-style: chr7-6005920-G-A. GRCh37 (hg19) VCF-style: chr7-6045551-G-A.
Other names: c.-81C>T (NM_001406903.1, NM_001322007.2, NM_001406876.1 and 4 more transcripts); c.-218C>T (NM_001406904.1, NM_001406907.1, NM_001406909.1 and 5 more transcripts); c.-271C>T (NM_001406905.1, NM_001406906.1, NM_001406908.1 and 11 more transcripts); c.135C>T, p.Asn45= (NM_001406912.1, NM_001322006.2, NM_001322014.2 and 10 more transcripts); c.-52-1862C>T (NM_001322008.2); c.-218-1862C>T (NM_001406881.1); c.-189-1862C>T (NM_001406895.1); c.-242-1862C>T (NM_001406911.1, NM_001322010.2, NM_001322004.2); and 7 more.
Identifiers: ClinVar variation 1770795 (VCV001770795.4), dbSNP rs1408915250, ClinGen allele CA453650035.

ClinVar aggregate classification (germline): Benign/Likely benign. Review status: criteria provided, multiple submitters, no conflicts (2 of 4 stars). 3 submissions from 3 submitters: Benign (1); Likely benign (2). Last evaluated 2025-09-03.

Conditions:
Hereditary nonpolyposis colorectal neoplasms. Identifiers: MedGen C0009405, MeSH D003123.
Hereditary cancer-predisposing syndrome. Also called: Hereditary Cancer Syndrome; Hereditary neoplastic syndrome; Neoplastic Syndromes, Hereditary; Tumor predisposition. Identifiers: Orphanet 140162, MedGen C0027672, MeSH D009386, MONDO:0015356.
Lynch syndrome 4 (LYNCH4). Also called: Colorectal cancer, hereditary nonpolyposis, type 4; Hereditary non-polyposis colorectal cancer, type 4. Identifiers: Orphanet 144, MedGen C1838333, MONDO:0013699, OMIM 614337. Disease mechanism: loss of function.

Submissions (3):

Labcorp Genetics (formerly Invitae), Labcorp
Classification: Likely benign for Hereditary nonpolyposis colorectal neoplasms. Last evaluated: 2025-09-03. Review status: criteria provided, single submitter. Criteria: Invitae Variant Classification Sherloc (09022015). Collection method: clinical testing. Allele origin: germline.

Myriad Genetics, Inc.
Classification: Benign for Lynch syndrome 4. Last evaluated: 2025-01-23. Review status: criteria provided, single submitter. Criteria: Myriad Autosomal Dominant, Autosomal Recessive and X-Linked Classification Criteria (2023). Collection method: clinical testing. Allele origin: unknown.
Comment: This variant is considered benign. This variant is a silent/synonymous amino acid change and it is not expected to impact splicing.

Ambry Genetics
Classification: Likely benign for Hereditary cancer-predisposing syndrome. Last evaluated: 2015-12-21. Review status: criteria provided, single submitter. Criteria: Ambry Variant Classification Scheme 2023. Collection method: clinical testing. Allele origin: germline.